The following is an entry in ClinVar:

ClinVar aggregate classification (germline): Conflicting classifications of pathogenicity. Review status: criteria provided, conflicting classifications (1 of 4 stars). 4 submissions from 4 submitters: Uncertain significance (3); Likely benign (1). Last evaluated 2026-01-09.

Conditions:
Ataxia-telangiectasia syndrome (AT). Also called: LOUIS-BAR SYNDROME; Cerebello-oculocutaneous telangiectasia; Immunodeficiency with ataxia telangiectasia; Ataxia-telangiectasia, complementation group D; AT, COMPLEMENTATION GROUP C; ATAXIA-TELANGIECTASIA, COMPLEMENTATION GROUP A. Identifiers: Orphanet 100, MedGen C0004135, MONDO:0008840, OMIM 208900.
Hereditary cancer-predisposing syndrome. Also called: Tumor predisposition; Neoplastic Syndromes, Hereditary; Hereditary Cancer Syndrome; Hereditary neoplastic syndrome. Identifiers: Orphanet 140162, MedGen C0027672, MeSH D009386, MONDO:0015356.

Allele frequency attached by ClinVar (database versions not stated): gnomAD exomes below 0.00001; TOPMed below 0.00001.
gnomAD v4.1: 3 of 1,587,474 alleles (0.00019%); highest among the groups gnomAD compares: Non-Finnish European, 0.00026%; no homozygotes.

Submissions (4):

Ambry Genetics
Classification: Likely benign for Hereditary cancer-predisposing syndrome. Last evaluated: 2026-01-09. Review status: criteria provided, single submitter. Criteria: Ambry Variant Classification Scheme 2023. Collection method: clinical testing. Allele origin: germline.

Color Diagnostics, LLC DBA Color Health
Classification: Uncertain significance for Hereditary cancer-predisposing syndrome. Last evaluated: 2025-03-31. Review status: criteria provided, single submitter. Criteria: ACMG Guidelines, 2015. Collection method: clinical testing. Allele origin: germline.
Comment: This missense variant replaces aspartic acid with glutamic acid at codon 1551 of the ATM protein. Computational prediction suggests that this variant may not impact protein structure and function. To our knowledge, functional studies have not been reported for this variant. This variant has not been reported in individuals affected with ATM-related disorders in the literature. It has been observed in a control individual in a breast cancer case-control study (PMID: 33471991). This variant has not been identified in the general population by the Genome Aggregation Database (gnomAD). The available evidence is insufficient to determine the role of this variant in disease conclusively. Therefore, this variant is classified as a Variant of Uncertain Significance.

Labcorp Genetics (formerly Invitae), Labcorp
Classification: Uncertain significance for Ataxia-telangiectasia syndrome. Last evaluated: 2025-02-12. Review status: criteria provided, single submitter. Criteria: Invitae Variant Classification Sherloc (09022015). Collection method: clinical testing. Allele origin: germline.
Comment: This sequence change replaces aspartic acid, which is acidic and polar, with glutamic acid, which is acidic and polar, at codon 1551 of the ATM protein (p.Asp1551Glu). This variant is not present in population databases (gnomAD no frequency). This variant has not been reported in the literature in individuals affected with ATM-related conditions. ClinVar contains an entry for this variant (Variation ID: 2892605). Invitae Evidence Modeling of protein sequence and biophysical properties (such as structural, functional, and spatial information, amino acid conservation, physicochemical variation, residue mobility, and thermodynamic stability) indicates that this missense variant is not expected to disrupt ATM protein function with a negative predictive value of 95%. In summary, the available evidence is currently insufficient to determine the role of this variant in disease. Therefore, it has been classified as a Variant of Uncertain Significance.

Quest Diagnostics Nichols Institute San Juan Capistrano
Classification: Uncertain significance. Last evaluated: 2024-07-02. Review status: criteria provided, single submitter. Criteria: Quest Diagnostics criteria. Collection method: clinical testing. Allele origin: unknown.

Literature cited by the submitters: PubMed 33471991 (cited by Color Diagnostics, LLC DBA Color Health and Quest Diagnostics Nichols Institute San Juan Capistrano); PubMed 29641532 (cited by Quest Diagnostics Nichols Institute San Juan Capistrano).

NM_000051.4(ATM):c.4653T>A (p.Asp1551Glu)

Gene: ATM (ATM serine/threonine kinase; plus strand). Cytogenetic location: 11q22.3.
Variant type: single nucleotide variant.
Coding change: c.4653T>A on transcript NM_000051.4 (MANE Select); coding-DNA position 4653, T replaced by A.
Protein change: p.Asp1551Glu; replaces aspartic acid 1551 with glutamic acid.
Molecular consequence: missense variant.
Genome position (GRCh38, 1-based): chr11:108,293,354, T>A. VCF-style: chr11-108293354-T-A. GRCh37 (hg19) VCF-style: chr11-108164081-T-A.
Other names: c.4653T>A, p.Asp1551Glu (NM_001351834.2); short protein forms D1551E.
Identifiers: ClinVar variation 2892605 (VCV002892605.6), dbSNP rs2082915572, ClinGen allele CA382534657.